The following is an entry in ClinVar:

ClinVar aggregate classification (germline): Pathogenic (1 of 4 stars; one submission).

Conditions:
Marfan syndrome (MFS). Also called: MARFAN SYNDROME, TYPE I; FBN1-Related Marfan Syndrome; Marfan syndrome type 1; Marfan's syndrome; Marfan syndrome, classic. Identifiers: Orphanet 284963, Orphanet 558, MedGen C0024796, MONDO:0007947, OMIM 154700.

Submission:

Petrovsky National Research Centre of Surgery, The Federal Agency for Scientific Organizations
Classification: Pathogenic for Marfan syndrome. Last evaluated: 2019-09-04. Review status: criteria provided, single submitter. Criteria: ACMG Guidelines, 2015. Collection method: clinical testing. Allele origin: unknown. Inheritance: Autosomal dominant inheritance. Affected: yes. Observed: 1 heterozygote.
Comment: The C1876S is a novel missense variant that was not reported in any study to our knowledge. This variant is absent from large population studies (ExAC no frequency). There is a known other missense variant (C1876Y) reported on the ClinVar (Variation ID:406296) as Pathogenic. The cysteine is located in cbEGF-like domain and participates in Disulfide bonds 1876-1889. Substitutions at cysteine residues in EGF domains are a common mechanism for disease in FBN1 gene (PMID: 1301946, 12938084, 15161917). In addition, prediction tools like Provean, PolyPhen2, MutationTaster show deleteious results of the substitution. Based on this evidences the C1876S is classified as pathogenic.

NM_000138.5(FBN1):c.5627G>C (p.Cys1876Ser)

Gene: FBN1 (fibrillin 1; minus strand). Cytogenetic location: 15q21.1.
Variant type: single nucleotide variant.
Coding change: c.5627G>C on transcript NM_000138.5 (MANE Select); coding-DNA position 5627, G replaced by C.
Protein change: p.Cys1876Ser; replaces cysteine 1876 with serine.
Molecular consequence: missense variant.
Genome position (GRCh38, 1-based): chr15:48,448,812, C>G on the plus strand (G>C on the coding strand, the complement: FBN1 is on the minus strand). VCF-style: chr15-48448812-C-G. GRCh37 (hg19) VCF-style: chr15-48741009-C-G.
Other names: short protein forms C1876S.
Identifiers: ClinVar variation 689478 (VCV000689478.3), dbSNP rs112728248, ClinGen allele CA392341871.
Genomic context (GRCh38, chr15:48,448,812, plus strand): 5'-ATAATTGCATACTTACCCAAGCACATGGTTTGGTCATCATTTGTTTTAAAACCAGTGTGG[C>G]AAAGGCAATAAAAGCTTCCAACTGTGTCAATGCACTGCCCATGACTGCATATATTGGGGA-3'
Protein context (NP_000129.3, residues 1866-1886): IDTVGSFYCL[Cys1876Ser]HTGFKTNDDQ